The following is an entry in ClinVar:

ClinVar aggregate classification (germline): other (0 of 4 stars; one submission).

Conditions:
Familial colorectal cancer. Identifiers: MedGen CN280943, MONDO:0023113. Disease mechanism: loss of function.

Allele frequency attached by ClinVar (database versions not stated): gnomAD 0.00087 and 0.00135; TOPMed 0.00166; 1000 Genomes Project 30x 0.00750; 1000 Genomes Project 0.00859.

Submission:

Systems Biology Platform Zhejiang California International NanoSystems Institute
Classification: other for Familial colorectal cancer. Review status: no assertion criteria provided. Collection method: not provided. Allele origin: unknown.
ClinVar note: Converted during submission from cancer to other.

NM_000038.6(APC):c.1743+706C>T

Gene: APC (APC regulator of WNT signaling pathway; plus strand). Cytogenetic location: 5q22.2.
Variant type: single nucleotide variant.
Coding change: c.1743+706C>T on transcript NM_000038.6 (MANE Select); 706 bases into the intron after coding-DNA position 1743, C replaced by T.
Molecular consequence: intron variant.
Genome position (GRCh38, 1-based): chr5:112,829,678, C>T. VCF-style: chr5-112829678-C-T. GRCh37 (hg19) VCF-style: chr5-112165375-C-T.
Other names: c.1743+706C>T (NM_001354895.2, NM_001127510.3); c.1773+706C>T (NM_001354897.2); c.1470+706C>T (NM_001354902.2); c.1689+706C>T (NM_001127511.3); c.1668+706C>T (NM_001354898.2); c.1365+706C>T (NM_001354904.2); c.894+706C>T (NM_001354906.2); c.1797+706C>T (NM_001354896.2); and 5 more.
Identifiers: ClinVar variation 82590 (VCV000082590.2), dbSNP rs76839155, ClinGen allele CA005714.